The following is an entry in ClinVar:

ClinVar aggregate classification (germline): Pathogenic (1 of 4 stars; one submission).

Submission:

GeneDx
Classification: Pathogenic. Last evaluated: 2022-05-17. Review status: criteria provided, single submitter. Criteria: GeneDx Variant Classification Process June 2021. Collection method: clinical testing. Allele origin: germline. Affected: yes.
Comment: Nonsense variant predicted to result in protein truncation or nonsense mediated decay in a gene for which loss of function is a known mechanism of disease; Not observed at significant frequency in large population cohorts (gnomAD); Has not been previously published as pathogenic or benign to our knowledge

NM_014491.4(FOXP2):c.538C>T (p.Gln180Ter)

Gene: FOXP2 (forkhead box P2; plus strand). Cytogenetic location: 7q31.1.
Variant type: single nucleotide variant.
Coding change: c.538C>T on transcript NM_014491.4 (MANE Select); coding-DNA position 538, C replaced by T.
Protein change: p.Gln180Ter; replaces glutamine 180 with a stop codon.
Molecular consequence: nonsense. On other transcripts: non-coding transcript variant (2).
Genome position (GRCh38, 1-based): chr7:114,629,946, C>T. VCF-style: chr7-114629946-C-T. GRCh37 (hg19) VCF-style: chr7-114270001-C-T.
Other names: c.538C>T, p.Gln180Ter (NM_001172766.3, NM_148899.3); c.613C>T, p.Gln205Ter (NM_001172767.2, NM_148898.4); c.589C>T, p.Gln197Ter (NM_148900.4); short protein forms Q180*, Q197*, Q205*.
Identifiers: ClinVar variation 1686660 (VCV001686660.2), dbSNP rs959136398, ClinGen allele CA368962274.
Genomic context (GRCh38, chr7:114,629,946, plus strand): 5'-CAGCAACAACAGCAGCAACAACAGCAGCAGCAACAACAACAACAACAGCAGCAACAACAG[C>T]AGCAGCAGCAGCAACAGCAGCAGCAGCAGCAACAGCATCCTGGAAAGCAAGCGAAAGAGG-3'